The following is an entry in ClinVar:

NM_002336.3(LRP6):c.4115A>G (p.Asn1372Ser)

Gene: LRP6 (LDL receptor related protein 6; minus strand). Cytogenetic location: 12p13.2.
Variant type: single nucleotide variant.
Coding change: c.4115A>G on transcript NM_002336.3 (MANE Select); coding-DNA position 4115, A replaced by G.
Protein change: p.Asn1372Ser; replaces asparagine 1372 with serine.
Molecular consequence: missense variant. On other transcripts: non-coding transcript variant (1).
Genome position (GRCh38, 1-based): chr12:12,126,888, T>C on the plus strand (A>G on the coding strand, the complement: LRP6 is on the minus strand). VCF-style: chr12-12126888-T-C. GRCh37 (hg19) VCF-style: chr12-12279822-T-C.
Other names: c.4208A>G, p.Asn1403Ser (NM_001414244.1); c.4115A>G, p.Asn1372Ser (NM_001414245.1, NM_001414248.1, NM_001414249.1 and 1 more transcripts); c.3980A>G, p.Asn1327Ser (NM_001414246.1); c.3917A>G, p.Asn1306Ser (NM_001414247.1); c.3752A>G, p.Asn1251Ser (NM_001414251.1); c.3662A>G, p.Asn1221Ser (NM_001414252.1, NM_001414253.1, NM_001414254.1); c.3608A>G, p.Asn1203Ser (NM_001414255.1); short protein forms N1203S, N1251S, N1306S, N1327S, N1221S, N1372S, N1403S.
Identifiers: ClinVar variation 2972057 (VCV002972057.3), dbSNP rs774674044, ClinGen allele CA6455031.
Genomic context (GRCh38, chr12:12,126,888, plus strand): 5'-AAGTATACAGTTCCAGACACAAAAATGGTGACAATTACGCCAATAACAGAACCAACTGTA[T>C]TGGTGGCCTGTGGTGCTGGTTCTTCAGTCGGATCTACAATGAAGAATGCAGTATGGTTAT-3'
Protein context (NP_002327.2, residues 1362-1382): PTEEPAPQAT[Asn1372Ser]TVGSVIGVIV

ClinVar aggregate classification (germline): Uncertain significance (1 of 4 stars; one submission).

Allele frequency attached by ClinVar (database versions not stated): ExAC 0.00001; gnomAD exomes 0.00001; gnomAD 0.00003; TOPMed 0.00003.
gnomAD v4.1: 22 of 1,614,000 alleles (0.0014%); highest among the groups gnomAD compares: African/African-American, 0.0067%; no homozygotes.

Submission:

Labcorp Genetics (formerly Invitae), Labcorp
Classification: Uncertain significance. Last evaluated: 2023-01-21. Review status: criteria provided, single submitter. Criteria: Invitae Variant Classification Sherloc (09022015). Collection method: clinical testing. Allele origin: germline.
Comment: This variant has not been reported in the literature in individuals affected with LRP6-related conditions. In summary, the available evidence is currently insufficient to determine the role of this variant in disease. Therefore, it has been classified as a Variant of Uncertain Significance. Algorithms developed to predict the effect of missense changes on protein structure and function are either unavailable or do not agree on the potential impact of this missense change (SIFT: "Deleterious"; PolyPhen-2: "Benign"; Align-GVGD: "Class C45"). This variant is present in population databases (rs774674044, gnomAD 0.01%). This sequence change replaces asparagine, which is neutral and polar, with serine, which is neutral and polar, at codon 1372 of the LRP6 protein (p.Asn1372Ser).